The following is an entry in ClinVar:

ClinVar aggregate classification (germline): Uncertain significance (1 of 4 stars; one submission).

Conditions:
Inborn genetic diseases. Identifiers: MedGen C0950123, MeSH D030342.

Allele frequency attached by ClinVar (database versions not stated): gnomAD exomes below 0.00001; gnomAD 0.00001; TOPMed 0.00001; 1000 Genomes Project 30x 0.00016; 1000 Genomes Project 0.00020.
gnomAD v4.1: 2 of 1,597,866 alleles (0.00013%); highest among the groups gnomAD compares: African/African-American, 0.0027%; no homozygotes.

Submission:

Ambry Genetics
Classification: Uncertain significance for Inborn genetic diseases. Last evaluated: 2018-09-26. Review status: criteria provided, single submitter. Criteria: Ambry Variant Classification Scheme 2023. Collection method: clinical testing. Allele origin: germline.
Comment: The p.S209G variant (also known as c.625A>G), located in coding exon 5 of the SZT2 gene, results from an A to G substitution at nucleotide position 625. The serine at codon 209 is replaced by glycine, an amino acid with similar properties. This amino acid position is not well conserved in available vertebrate species. In addition, this alteration is predicted to be tolerated by in silico analysis. Since supporting evidence is limited at this time, the clinical significance of this alteration remains unclear.

NM_001365999.1(SZT2):c.625A>G (p.Ser209Gly)

Gene: SZT2 (SZT2 subunit of KICSTOR complex; plus strand). Cytogenetic location: 1p34.2.
Variant type: single nucleotide variant.
Coding change: c.625A>G on transcript NM_001365999.1 (MANE Select); coding-DNA position 625, A replaced by G.
Protein change: p.Ser209Gly; replaces serine 209 with glycine.
Molecular consequence: missense variant.
Genome position (GRCh38, 1-based): chr1:43,415,208, A>G. VCF-style: chr1-43415208-A-G. GRCh37 (hg19) VCF-style: chr1-43880879-A-G.
Other names: c.625A>G, p.Ser209Gly (NM_015284.4); short protein forms S209G.
Identifiers: ClinVar variation 1752477 (VCV001752477.2), dbSNP rs556689421, ClinGen allele CA21625923.
Genomic context (GRCh38, chr1:43,415,208, plus strand): 5'-CAGCTCTGCCTCTTTGAGGATAAGGTGGCCACCATGCTGCAGCAGCAGTACGATCCCCAG[A>G]GCCAGGTATGTAAGAGAGAAAGTGGGCAGAGGCAACTTAGAAAGAGGAGCAGCTAAGGAC-3'
Protein context (NP_001352928.1, residues 199-219): TMLQQQYDPQ[Ser209Gly]QAEDQSPDSG